The following is an entry in ClinVar:

NM_014585.6(SLC40A1):c.473G>T (p.Trp158Leu)

Gene: SLC40A1 (solute carrier family 40 member 1; minus strand). Cytogenetic location: 2q32.2.
Variant type: single nucleotide variant.
Coding change: c.473G>T on transcript NM_014585.6 (MANE Select); coding-DNA position 473, G replaced by T.
Protein change: p.Trp158Leu; replaces tryptophan 158 with leucine.
Molecular consequence: missense variant.
Genome position (GRCh38, 1-based): chr2:189,571,756, C>A on the plus strand (G>T on the coding strand, the complement: SLC40A1 is on the minus strand). VCF-style: chr2-189571756-C-A. GRCh37 (hg19) VCF-style: chr2-190436482-C-A.
Other names: short protein forms W158L.
Identifiers: ClinVar variation 56156 (VCV000056156.2), dbSNP rs387907375, ClinGen allele CA215960.

ClinVar aggregate classification (germline): Uncertain significance. Review status: no assertion criteria provided (0 of 4 stars). 3 submissions from 2 submitters: Uncertain significance (1). 2 of the submissions do not count toward it.

Submissions (3):

Laboratoire de Génétique Moléculaire, CHU Pontchaillou
No classification provided. Review status: no classification provided. Collection method: not provided. Allele origin: germline. Not counted in ClinVar's aggregate classification.

Richard Lifton Laboratory, Yale University School of Medicine
Classification: Uncertain significance. Review status: no assertion criteria provided. Collection method: not provided. Allele origin: somatic.
Comment: SLC40A1:p.W158L
ClinVar note: Converted during submission from unknown to Uncertain significance.

Richard Lifton Laboratory, Yale University School of Medicine
Classification: Uncertain significance. Review status: flagged submission. Collection method: not provided. Allele origin: somatic. Not counted in ClinVar's aggregate classification.
ClinVar note: Converted during submission from unknown to Uncertain significance.
ClinVar note: Reason: This record appears to be redundant with a more recent record from the same submitter.
ClinVar note: Notes: SCV000120085 appears to be redundant with SCV000155189.